The following is an entry in ClinVar:

NM_001211.6(BUB1B):c.2536G>T (p.Asp846Tyr)

Gene: BUB1B (BUB1 mitotic checkpoint serine/threonine kinase B; plus strand). Cytogenetic location: 15q15.1.
Variant type: single nucleotide variant.
Coding change: c.2536G>T on transcript NM_001211.6 (MANE Select); coding-DNA position 2536, G replaced by T.
Protein change: p.Asp846Tyr; replaces aspartic acid 846 with tyrosine.
Molecular consequence: missense variant.
Genome position (GRCh38, 1-based): chr15:40,213,332, G>T. VCF-style: chr15-40213332-G-T. GRCh37 (hg19) VCF-style: chr15-40505533-G-T.
Other names: short protein forms D846Y.
Identifiers: ClinVar variation 3262240 (VCV003262240.1).
Genomic context (GRCh38, chr15:40,213,332, plus strand): 5'-AGTATAACTACGATCTGCCAAACTTGAGAAATAGTGAGTTTTCTGTCCTTCAATTTCCAG[G>T]ATCTTCTCCAACACAGTGAATATATTACCCATGAAATAACAGTGTTGATTATTTATAACC-3'
Protein context (NP_001202.5, residues 836-856): HQYINCFTLQ[Asp846Tyr]LLQHSEYITH

ClinVar aggregate classification (germline): Uncertain significance (1 of 4 stars; one submission).

Conditions:
Inborn genetic diseases. Identifiers: MedGen C0950123, MeSH D030342.

Submission:

Ambry Genetics
Classification: Uncertain significance for Inborn genetic diseases. Last evaluated: 2024-04-20. Review status: criteria provided, single submitter. Criteria: Ambry Variant Classification Scheme 2023. Collection method: clinical testing. Allele origin: germline.
Comment: The p.D846Y variant (also known as c.2536G>T) is located in coding exon 20 of the BUB1B gene. The aspartic acid at codon 846 is replaced by tyrosine, an amino acid with highly dissimilar properties. This change occurs in the first base pair of coding exon 20. This amino acid position is conserved. In addition, the in silico prediction for this alteration is inconclusive. Based on the available evidence, the clinical significance of this variant remains unclear.